The following is an entry in ClinVar:

ClinVar aggregate classification (germline): Benign/Likely benign. Review status: criteria provided, multiple submitters, no conflicts (2 of 4 stars). 5 submissions from 5 submitters: Benign (1); Likely benign (3). 1 of the submissions does not count toward it. Last evaluated 2026-01-13.

Conditions:
HPS5-related disorder. Also called: HPS5-related condition.

Allele frequency attached by ClinVar (database versions not stated): gnomAD exomes 0.00005 and 0.00016; ExAC 0.00023; 1000 Genomes Project 30x 0.00031; 1000 Genomes Project 0.00040; gnomAD 0.00070 and 0.00078; TOPMed 0.00079; ESP Exome Variant Server 0.00116.
gnomAD v4.1: 189 of 1,614,120 alleles (0.012%); highest among the groups gnomAD compares: African/African-American, 0.22%; no homozygotes.

Submissions (5):

Labcorp Genetics (formerly Invitae), Labcorp
Classification: Benign. Last evaluated: 2026-01-13. Review status: criteria provided, single submitter. Criteria: Invitae Variant Classification Sherloc (09022015). Collection method: clinical testing. Allele origin: germline.

Blueprint Genetics
Classification: Likely benign. Last evaluated: 2024-10-18. Review status: criteria provided, single submitter. Criteria: ACMG Guidelines, 2015. Collection method: clinical testing. Allele origin: germline.

Mayo Clinic Laboratories, Mayo Clinic
Classification: Likely benign. Last evaluated: 2024-10-08. Review status: criteria provided, single submitter. Criteria: ACMG Guidelines, 2015. Collection method: clinical testing. Allele origin: germline. Observed: 2 variant alleles.
Comment: BP4, BP7

Women's Health and Genetics/Laboratory Corporation of America, LabCorp
Classification: Likely benign. Last evaluated: 2024-10-04. Review status: criteria provided, single submitter. Criteria: LabCorp Variant Classification Summary - May 2015. Collection method: clinical testing. Allele origin: germline.

PreventionGenetics, part of Exact Sciences
Classification: Likely benign for HPS5-related condition. Last evaluated: 2024-01-23. Review status: no assertion criteria provided. Collection method: clinical testing. Allele origin: germline. Not counted in ClinVar's aggregate classification.
Comment: This variant is classified as likely benign based on ACMG/AMP sequence variant interpretation guidelines (Richards et al. 2015 PMID: 25741868, with internal and published modifications).

NM_181507.2(HPS5):c.582T>C (p.Leu194=)

Gene: HPS5 (HPS5 biogenesis of lysosomal organelles complex 2 subunit 2; minus strand). Cytogenetic location: 11p15.1.
Variant type: single nucleotide variant.
Coding change: c.582T>C on transcript NM_181507.2 (MANE Select); coding-DNA position 582, T replaced by C.
Protein change: p.Leu194=; no amino-acid change (leucine 194 retained).
Molecular consequence: synonymous variant.
Genome position (GRCh38, 1-based): chr11:18,308,975, A>G on the plus strand (T>C on the coding strand, the complement: HPS5 is on the minus strand). VCF-style: chr11-18308975-A-G. GRCh37 (hg19) VCF-style: chr11-18330522-A-G.
Other names: p.Leu194=; c.240T>C, p.Leu80= (NM_007216.4, NM_181508.2).
Identifiers: ClinVar variation 1530683 (VCV001530683.13), dbSNP rs146455658, ClinGen allele CA5910395.